The following is an entry in ClinVar:

ClinVar aggregate classification (germline): Conflicting classifications of pathogenicity. Review status: criteria provided, conflicting classifications (1 of 4 stars). 2 submissions from 2 submitters: Uncertain significance (1); Likely benign (1). Last evaluated 2025-04-17.

Conditions:
Hereditary cancer-predisposing syndrome. Also called: Neoplastic Syndromes, Hereditary; Hereditary Cancer Syndrome; Tumor predisposition; Hereditary neoplastic syndrome. Identifiers: Orphanet 140162, MedGen C0027672, MeSH D009386, MONDO:0015356.
Familial melanoma. Also called: Hereditary melanoma; Hereditary cutaneous melanoma. Identifiers: Orphanet 618, MedGen C1512419, MONDO:0018961.

Allele frequency attached by ClinVar (database versions not stated): ExAC 0.00002.
gnomAD v4.1: 3 of 1,614,176 alleles (0.00019%); highest among the groups gnomAD compares: Admixed American, 0.005%; no homozygotes.

Submissions (2):

Labcorp Genetics (formerly Invitae), Labcorp
Classification: Likely benign for Familial melanoma. Last evaluated: 2025-04-17. Review status: criteria provided, single submitter. Criteria: Invitae Variant Classification Sherloc (09022015). Collection method: clinical testing. Allele origin: germline.

Ambry Genetics
Classification: Uncertain significance for Hereditary cancer-predisposing syndrome. Last evaluated: 2024-01-18. Review status: criteria provided, single submitter. Criteria: Ambry Variant Classification Scheme 2023. Collection method: clinical testing. Allele origin: germline.
Comment: The c.684-5C>G intronic variant results from a C to G substitution 5 nucleotides upstream from coding exon 6 in the CDK4 gene. This nucleotide position is highly conserved in available vertebrate species. In silico splice site analysis predicts that this alteration will not have any significant effect on splicing. Based on the available evidence, the clinical significance of this alteration remains unclear.

NM_000075.4(CDK4):c.684-5C>G

Genes: CDK4 (cyclin dependent kinase 4; minus strand), TSPAN31 (tetraspanin 31; plus strand). Cytogenetic location: 12q14.1.
Variant type: single nucleotide variant.
Coding change: c.684-5C>G on transcript NM_000075.4 (MANE Select); 5 bases into the intron before coding-DNA position 684, C replaced by G.
Molecular consequence: intron variant. On other transcripts: 3 prime UTR variant (3).
Genome position (GRCh38, 1-based): chr12:57,749,322, G>C on the plus strand (C>G on the coding strand, the complement: CDK4 is on the minus strand). VCF-style: chr12-57749322-G-C. GRCh37 (hg19) VCF-style: chr12-58143105-G-C.
Other names: c.*2032G>C (NM_001330168.2, NM_001330169.2, NM_005981.5).
Identifiers: ClinVar variation 946036 (VCV000946036.10), dbSNP rs765361338, ClinGen allele CA6657706.